The following is an entry in ClinVar:

ClinVar aggregate classification (germline): Uncertain significance. Review status: criteria provided, multiple submitters, no conflicts (2 of 4 stars). 2 submissions from 2 submitters: Uncertain significance (2). Last evaluated 2023-02-26.

Conditions:
Hereditary cancer-predisposing syndrome. Also called: Tumor predisposition; Hereditary Cancer Syndrome; Hereditary neoplastic syndrome; Neoplastic Syndromes, Hereditary. Identifiers: Orphanet 140162, MedGen C0027672, MeSH D009386, MONDO:0015356.
Hereditary pheochromocytoma and paraganglioma. Also called: Hereditary paragangliomas and pheochromocytomas; Hereditary Paraganglioma-Pheochromocytoma Syndromes; Hereditary pheochromocytoma-paraganglioma. Identifiers: Orphanet 29072, MedGen C4274332, MONDO:0017366.

Submissions (2):

Labcorp Genetics (formerly Invitae), Labcorp
Classification: Uncertain significance for Hereditary pheochromocytoma and paraganglioma. Last evaluated: 2023-02-26. Review status: criteria provided, single submitter. Criteria: Invitae Variant Classification Sherloc (09022015). Collection method: clinical testing. Allele origin: germline.
Comment: An algorithm developed to predict the effect of missense changes on protein structure and function (PolyPhen-2) suggests that this variant is likely to be disruptive. In summary, the available evidence is currently insufficient to determine the role of this variant in disease. Therefore, it has been classified as a Variant of Uncertain Significance. This variant is not present in population databases (gnomAD no frequency). This sequence change replaces glutamic acid, which is acidic and polar, with lysine, which is basic and polar, at codon 213 of the TMEM127 protein (p.Glu213Lys). This variant has not been reported in the literature in individuals affected with TMEM127-related conditions. ClinVar contains an entry for this variant (Variation ID: 1753164).

Ambry Genetics
Classification: Uncertain significance for Hereditary cancer-predisposing syndrome. Last evaluated: 2020-12-10. Review status: criteria provided, single submitter. Criteria: Ambry Variant Classification Scheme 2023. Collection method: clinical testing. Allele origin: germline.
Comment: The p.E213K variant (also known as c.637G>A), located in coding exon 3 of the TMEM127 gene, results from a G to A substitution at nucleotide position 637. The glutamic acid at codon 213 is replaced by lysine, an amino acid with similar properties. This amino acid position is highly conserved in available vertebrate species. In addition, this alteration is predicted to be deleterious by in silico analysis. Since supporting evidence is limited at this time, the clinical significance of this alteration remains unclear.

NM_017849.4(TMEM127):c.637G>A (p.Glu213Lys)

Gene: TMEM127 (transmembrane protein 127; minus strand). Cytogenetic location: 2q11.2.
Variant type: single nucleotide variant.
Coding change: c.637G>A on transcript NM_017849.4 (MANE Select); coding-DNA position 637, G replaced by A.
Protein change: p.Glu213Lys; replaces glutamic acid 213 with lysine.
Molecular consequence: missense variant.
Genome position (GRCh38, 1-based): chr2:96,253,888, C>T on the plus strand (G>A on the coding strand, the complement: TMEM127 is on the minus strand). VCF-style: chr2-96253888-C-T. GRCh37 (hg19) VCF-style: chr2-96919626-C-T.
Other names: c.637G>A, p.Glu213Lys (NM_001193304.3); c.385G>A, p.Glu129Lys (NM_001407282.1, NM_001407283.1); short protein forms E129K, E213K.
Identifiers: ClinVar variation 1753164 (VCV001753164.5), dbSNP rs2104283259, ClinGen allele CA347651737.